The following is an entry in ClinVar:

ClinVar aggregate classification (germline): Uncertain significance (1 of 4 stars; one submission).

Conditions:
Hereditary nonpolyposis colorectal neoplasms. Identifiers: MedGen C0009405, MeSH D003123.

Submission:

Labcorp Genetics (formerly Invitae), Labcorp
Classification: Uncertain significance for Hereditary nonpolyposis colorectal neoplasms. Last evaluated: 2025-02-16. Review status: criteria provided, single submitter. Criteria: Invitae Variant Classification Sherloc (09022015). Collection method: clinical testing. Allele origin: germline.
Comment: This sequence change replaces valine, which is neutral and non-polar, with leucine, which is neutral and non-polar, at codon 658 of the MSH6 protein (p.Val658Leu). This variant is not present in population databases (gnomAD no frequency). This variant has not been reported in the literature in individuals affected with MSH6-related conditions. ClinVar contains an entry for this variant (Variation ID: 1474116). Invitae Evidence Modeling of protein sequence and biophysical properties (such as structural, functional, and spatial information, amino acid conservation, physicochemical variation, residue mobility, and thermodynamic stability) indicates that this missense variant is not expected to disrupt MSH6 protein function with a negative predictive value of 95%. In summary, the available evidence is currently insufficient to determine the role of this variant in disease. Therefore, it has been classified as a Variant of Uncertain Significance.

NM_000179.3(MSH6):c.1972G>T (p.Val658Leu)

Gene: MSH6 (mutS homolog 6; plus strand). Cytogenetic location: 2p16.3.
Variant type: single nucleotide variant.
Coding change: c.1972G>T on transcript NM_000179.3 (MANE Select); coding-DNA position 1972, G replaced by T.
Protein change: p.Val658Leu; replaces valine 658 with leucine.
Molecular consequence: missense variant.
Genome position (GRCh38, 1-based): chr2:47,799,955, G>T. VCF-style: chr2-47799955-G-T. GRCh37 (hg19) VCF-style: chr2-48027094-G-T.
Other names: c.1582G>T, p.Val528Leu (NM_001281492.2); c.1066G>T, p.Val356Leu (NM_001281493.2, NM_001281494.2); short protein forms V528L, V356L, V658L.
Identifiers: ClinVar variation 1474116 (VCV001474116.8), dbSNP rs1553413340, ClinGen allele CA346750606.